The following is an entry in ClinVar:

NM_000432.4(MYL2):c.237T>C (p.Phe79=)

Gene: MYL2 (myosin light chain 2; minus strand). Cytogenetic location: 12q24.11.
Variant type: single nucleotide variant.
Coding change: c.237T>C on transcript NM_000432.4 (MANE Select); coding-DNA position 237, T replaced by C.
Protein change: p.Phe79=; no amino-acid change (phenylalanine 79 retained).
Molecular consequence: synonymous variant.
Genome position (GRCh38, 1-based): chr12:110,914,223, A>G on the plus strand (T>C on the coding strand, the complement: MYL2 is on the minus strand). VCF-style: chr12-110914223-A-G. GRCh37 (hg19) VCF-style: chr12-111352027-A-G.
Identifiers: ClinVar variation 164477 (VCV000164477.5), dbSNP rs727503298, ClinGen allele CA009943.

ClinVar aggregate classification (germline): Likely benign. Review status: criteria provided, multiple submitters, no conflicts (2 of 4 stars). 2 submissions from 2 submitters: Likely benign (2). Last evaluated 2013-12-12.

Allele frequency attached by ClinVar (database versions not stated): gnomAD below 0.00001 and 0.00001.
gnomAD v4.1: 1 of 1,613,946 alleles (0.000062%); highest among the groups gnomAD compares: South Asian, 0.0011%; no homozygotes.

Submissions (2):

Laboratory for Molecular Medicine, Mass General Brigham Personalized Medicine
Classification: Likely benign. Last evaluated: 2013-12-12. Review status: criteria provided, single submitter. Criteria: LMM Criteria. Collection method: clinical testing. Allele origin: germline. Observed: 1 variant allele.
Comment: Phe79Phe in exon 4 of MYL2: This variant is not expected to have clinical signif icance because it does not alter an amino acid residue and is not located within the splice consensus sequence. Phe79Phe in exon 4 of MYL2 (allele frequency = n/a)

Breakthrough Genomics
Classification: Likely benign. Review status: criteria provided, single submitter. Criteria: ACMG Guidelines, 2015. Collection method: not provided. Allele origin: germline. Inheritance: Autosomal recessive inheritance. Affected: yes.